The following is an entry in ClinVar:

NM_000660.7(TGFB1):c.300G>T (p.Glu100Asp)

Genes: TGFB1 (transforming growth factor beta 1; minus strand), LOC130064510 (ATAC-STARR-seq lymphoblastoid silent region 10661; plus strand). Cytogenetic location: 19q13.2.
Variant type: single nucleotide variant.
Coding change: c.300G>T on transcript NM_000660.7 (MANE Select); coding-DNA position 300, G replaced by T.
Protein change: p.Glu100Asp; replaces glutamic acid 100 with aspartic acid.
Molecular consequence: missense variant.
Genome position (GRCh38, 1-based): chr19:41,352,745, C>A on the plus strand (G>T on the coding strand, the complement: TGFB1 is on the minus strand). VCF-style: chr19-41352745-C-A. GRCh37 (hg19) VCF-style: chr19-41858650-C-A.
Other names: short protein forms E100D.
Identifiers: ClinVar variation 3019448 (VCV003019448.3), dbSNP rs137864931, ClinGen allele CA9460146.

ClinVar aggregate classification (germline): Uncertain significance (1 of 4 stars; one submission).

Allele frequency attached by ClinVar (database versions not stated): gnomAD 0.00004; gnomAD exomes 0.00006; ExAC 0.00017.
gnomAD v4.1: 93 of 1,613,374 alleles (0.0058%); highest among the groups gnomAD compares: Non-Finnish European, 0.00025%; 1 homozygote.

Submission:

Labcorp Genetics (formerly Invitae), Labcorp
Classification: Uncertain significance. Last evaluated: 2024-04-25. Review status: criteria provided, single submitter. Criteria: Invitae Variant Classification Sherloc (09022015). Collection method: clinical testing. Allele origin: germline.
Comment: This sequence change replaces glutamic acid, which is acidic and polar, with aspartic acid, which is acidic and polar, at codon 100 of the TGFB1 protein (p.Glu100Asp). This variant is present in population databases (rs137864931, gnomAD 0.2%). This variant has not been reported in the literature in individuals affected with TGFB1-related conditions. Advanced modeling of protein sequence and biophysical properties (such as structural, functional, and spatial information, amino acid conservation, physicochemical variation, residue mobility, and thermodynamic stability) performed at Invitae indicates that this missense variant is not expected to disrupt TGFB1 protein function with a negative predictive value of 80%. In summary, the available evidence is currently insufficient to determine the role of this variant in disease. Therefore, it has been classified as a Variant of Uncertain Significance.